The following is an entry in ClinVar:

ClinVar aggregate classification (germline): Pathogenic (1 of 4 stars; one submission).

Conditions:
DICER1-related tumor predisposition. Also called: DICER1-related pleuropulmonary blastoma cancer predisposition syndrome; DICER1 syndrome. Identifiers: Orphanet 284343, MedGen C3839822, MONDO:0100216.

Submission:

Foulkes Cancer Genetics LDI, Lady Davis Institute for Medical Research
Classification: Pathogenic for Pleuropulmonary blastoma. Last evaluated: 2019-07-01. Review status: criteria provided, single submitter. Criteria: ACMG Guidelines, 2015. Collection method: curation. Allele origin: germline. Affected: yes. Observed: 2 variant alleles.
Comment: ACMG criteria met: PVS1, PM2, PM7

Literature cited by the submitters: PubMed 29351919.

NM_177438.3(DICER1):c.1363del (p.Val455fs)

Gene: DICER1 (dicer 1, ribonuclease III; minus strand). Cytogenetic location: 14q32.13.
Variant type: Deletion.
Coding change: c.1363del on transcript NM_177438.3 (MANE Select); coding-DNA position 1363, one base deleted (G; older notation c.1363delG).
Protein change: p.Val455fs; shifts the reading frame from valine 455.
Molecular consequence: frameshift variant.
Genome position (GRCh38, 1-based): chr14:95,124,209, C deleted on the plus strand (G on the coding strand, the reverse complement: DICER1 is on the minus strand). VCF-style (leftmost placement, unchanged base first): chr14-95124208-AC-A. GRCh37 (hg19) VCF-style: chr14-95590545-AC-A.
Other names: c.1363del, p.Val455fs (NM_001195573.1, NM_001271282.3, NM_001291628.2 and 1 more transcripts); short protein forms V455fs.
Identifiers: ClinVar variation 933094 (VCV000933094.3), dbSNP rs1893184174, ClinGen allele CA1139663673.